The following is an entry in ClinVar:

NM_001035.3(RYR2):c.14494G>A (p.Glu4832Lys)

Gene: RYR2 (ryanodine receptor 2; plus strand). Cytogenetic location: 1q43.
Variant type: single nucleotide variant.
Coding change: c.14494G>A on transcript NM_001035.3 (MANE Select); coding-DNA position 14494, G replaced by A.
Protein change: p.Glu4832Lys; replaces glutamic acid 4832 with lysine.
Molecular consequence: missense variant.
Genome position (GRCh38, 1-based): chr1:237,819,096, G>A. VCF-style: chr1-237819096-G-A. GRCh37 (hg19) VCF-style: chr1-237982396-G-A.
Other names: short protein forms E4832K.
Identifiers: ClinVar variation 919947 (VCV000919947.10), dbSNP rs1443988544, ClinGen allele CA345426184.
Genomic context (GRCh38, chr1:237,819,096, plus strand): 5'-TGCTATATGTTCCACATGTATGTTGGAGTTCGTGCTGGAGGAGGGATCGGGGATGAAATC[G>A]AAGACCCAGCAGGAGATGAATATGAGATCTATCGAATCATCTTTGACATCACTTTCTTCT-3'
Protein context (NP_001026.2, residues 4822-4842): RAGGGIGDEI[Glu4832Lys]DPAGDEYEIY

ClinVar aggregate classification (germline): Uncertain significance. Review status: criteria provided, multiple submitters, no conflicts (2 of 4 stars). 3 submissions from 3 submitters: Uncertain significance (3). Last evaluated 2025-08-30.

Conditions:
Catecholaminergic polymorphic ventricular tachycardia (CVPT). Also called: Catecholamine-induced polymorphic ventricular tachycardia. Identifiers: Orphanet 3286, MedGen C5574922, MONDO:0017990.
Cardiomyopathy (CMYO). Also called: Cardiomyopathies. Identifiers: Orphanet 167848, MedGen C0878544, MONDO:0004994, HP:0001638. Inheritance: Various modes of inheritance.
Catecholaminergic polymorphic ventricular tachycardia 1. Also called: VENTRICULAR TACHYCARDIA, CATECHOLAMINERGIC POLYMORPHIC, 1, WITH OR WITHOUT ATRIAL DYSFUNCTION AND/OR DILATED CARDIOMYOPATHY; RYR2-Related Catecholaminergic Polymorphic Ventricular Tachycardia; VENTRICULAR TACHYCARDIA, STRESS-INDUCED POLYMORPHIC 1. Identifiers: Orphanet 3286, MedGen C1631597, MONDO:0011484, OMIM 604772.

Allele frequency attached by ClinVar (database versions not stated): gnomAD exomes below 0.00001; TOPMed 0.00001.
gnomAD v4.1: 5 of 1,613,760 alleles (0.00031%); highest among the groups gnomAD compares: South Asian, 0.0011%; no homozygotes.

Submissions (3):

Labcorp Genetics (formerly Invitae), Labcorp
Classification: Uncertain significance for Catecholaminergic polymorphic ventricular tachycardia 1. Last evaluated: 2025-08-30. Review status: criteria provided, single submitter. Criteria: Invitae Variant Classification Sherloc (09022015). Collection method: clinical testing. Allele origin: germline.
Comment: This sequence change replaces glutamic acid, which is acidic and polar, with lysine, which is basic and polar, at codon 4832 of the RYR2 protein (p.Glu4832Lys). This variant is present in population databases (no rsID available, gnomAD 0.003%). This variant has not been reported in the literature in individuals affected with RYR2-related conditions. ClinVar contains an entry for this variant (Variation ID: 919947). Invitae Evidence Modeling of protein sequence and biophysical properties (such as structural, functional, and spatial information, amino acid conservation, physicochemical variation, residue mobility, and thermodynamic stability) has been performed for this missense variant. However, the output from this modeling did not meet the statistical confidence thresholds required to predict the impact of this variant on RYR2 protein function. In summary, the available evidence is currently insufficient to determine the role of this variant in disease. Therefore, it has been classified as a Variant of Uncertain Significance.

All of Us Research Program, National Institutes of Health
Classification: Uncertain significance for Catecholaminergic polymorphic ventricular tachycardia. Last evaluated: 2024-03-24. Review status: criteria provided, single submitter. Criteria: ACMG Guidelines, 2015. Collection method: clinical testing. Allele origin: germline. Inheritance: Autosomal dominant inheritance. Observed: 2 variant alleles, 2 heterozygotes.
Comment: Variant of Uncertain Significance due to insufficient evidence: This missense variant is located in the pore-forming region of the RYR2 protein. Computational prediction tools and conservation analyses suggest that this variant may have deleterious impact on the protein function. Computational splicing tools suggest that this variant may not impact RNA splicing. To our knowledge, functional assays have not been performed for this variant nor has this variant been reported in individuals affected with cardiovascular disorders in the literature. This variant has been identified in 1/246172 chromosomes in the general population by the Genome Aggregation Database (gnomAD). Available evidence is insufficient to determine the pathogenicity of this variant conclusively.

This study involves interpretation of variants in research participants for the purpose of population health screening. Participant phenotype was not available at the time of variant classification. Additional details can be found in publication PMID: 35346344, PMCID: PMC8962531

Color Diagnostics, LLC DBA Color Health
Classification: Uncertain significance for Cardiomyopathy. Last evaluated: 2023-12-05. Review status: criteria provided, single submitter. Criteria: ACMG Guidelines, 2015. Collection method: clinical testing. Allele origin: germline.
Comment: Variant of Uncertain Significance due to insufficient evidence: This missense variant is located in the pore-forming region of the RYR2 protein. Computational prediction tools and conservation analyses suggest that this variant may have deleterious impact on the protein function. Computational splicing tools suggest that this variant may not impact RNA splicing. To our knowledge, functional assays have not been performed for this variant nor has this variant been reported in individuals affected with cardiovascular disorders in the literature. This variant has been identified in 1/246172 chromosomes in the general population by the Genome Aggregation Database (gnomAD). Available evidence is insufficient to determine the pathogenicity of this variant conclusively.